The following is an entry in ClinVar:

NM_004104.5(FASN):c.3167A>G (p.His1056Arg)

Gene: FASN (fatty acid synthase; minus strand). Cytogenetic location: 17q25.3.
Variant type: single nucleotide variant.
Coding change: c.3167A>G on transcript NM_004104.5 (MANE Select); coding-DNA position 3167, A replaced by G.
Protein change: p.His1056Arg; replaces histidine 1056 with arginine.
Molecular consequence: missense variant.
Genome position (GRCh38, 1-based): chr17:82,087,381, T>C on the plus strand (A>G on the coding strand, the complement: FASN is on the minus strand). VCF-style: chr17-82087381-T-C. GRCh37 (hg19) VCF-style: chr17-80045257-T-C.
Other names: short protein forms H1056R.
Identifiers: ClinVar variation 1467200 (VCV001467200.8), dbSNP rs1251431363, ClinGen allele CA401554488.

ClinVar aggregate classification (germline): Uncertain significance (1 of 4 stars; one submission).

Conditions:
Epileptic encephalopathy. Identifiers: MedGen C0543888, HP:0200134.

Allele frequency attached by ClinVar (database versions not stated): TOPMed below 0.00001; gnomAD 0.00001.
gnomAD v4.1: 1 of 1,612,536 alleles (0.000062%); highest among the groups gnomAD compares: African/African-American, 0.0013%; no homozygotes.

Submission:

Labcorp Genetics (formerly Invitae), Labcorp
Classification: Uncertain significance for Epileptic encephalopathy. Last evaluated: 2022-06-08. Review status: criteria provided, single submitter. Criteria: Invitae Variant Classification Sherloc (09022015). Collection method: clinical testing. Allele origin: germline.
Comment: In summary, the available evidence is currently insufficient to determine the role of this variant in disease. Therefore, it has been classified as a Variant of Uncertain Significance. Algorithms developed to predict the effect of missense changes on protein structure and function output the following: SIFT: "Tolerated"; PolyPhen-2: "Benign"; Align-GVGD: "Class C0". The arginine amino acid residue is found in multiple mammalian species, which suggests that this missense change does not adversely affect protein function. This variant has not been reported in the literature in individuals affected with FASN-related conditions. This variant is not present in population databases (gnomAD no frequency). This sequence change replaces histidine, which is basic and polar, with arginine, which is basic and polar, at codon 1056 of the FASN protein (p.His1056Arg).